The following is an entry in ClinVar:

NM_000079.4(CHRNA1):c.372G>A (p.Lys124=)

Gene: CHRNA1 (cholinergic receptor nicotinic alpha 1 subunit; minus strand). Cytogenetic location: 2q31.1.
Variant type: single nucleotide variant.
Coding change: c.372G>A on transcript NM_000079.4 (MANE Select); coding-DNA position 372, G replaced by A.
Protein change: p.Lys124=; no amino-acid change (lysine 124 retained).
Molecular consequence: synonymous variant.
Genome position (GRCh38, 1-based): chr2:174,754,387, C>T on the plus strand (G>A on the coding strand, the complement: CHRNA1 is on the minus strand). VCF-style: chr2-174754387-C-T. GRCh37 (hg19) VCF-style: chr2-175619115-C-T.
Other names: c.447G>A, p.Lys149= (NM_001039523.3).
Identifiers: ClinVar variation 1117095 (VCV001117095.16), dbSNP rs143047599, ClinGen allele CA1974558.

ClinVar aggregate classification (germline): Likely benign. Review status: criteria provided, multiple submitters, no conflicts (2 of 4 stars). 2 submissions from 2 submitters: Likely benign (2). Last evaluated 2025-03-01.

Conditions:
Lethal multiple pterygium syndrome (LMPS). Identifiers: Orphanet 33108, MedGen C1854678, MONDO:0009668, OMIM 253290.

Allele frequency attached by ClinVar (database versions not stated): gnomAD exomes below 0.00001 and 0.00001; ExAC 0.00003; gnomAD 0.00009; TOPMed 0.00009; ESP Exome Variant Server 0.00023.
gnomAD v4.1: 20 of 1,614,078 alleles (0.0012%); highest among the groups gnomAD compares: African/African-American, 0.024%; no homozygotes.

Submissions (2):

CeGaT Center for Human Genetics Tuebingen
Classification: Likely benign. Last evaluated: 2025-03-01. Review status: criteria provided, single submitter. Criteria: CeGaT Center For Human Genetics Tuebingen Variant Classification Criteria Version 2. Collection method: clinical testing. Allele origin: germline. Affected: yes. Observed: 1 variant allele.
Comment: CHRNA1: BP4, BP7

Labcorp Genetics (formerly Invitae), Labcorp
Classification: Likely benign for Lethal multiple pterygium syndrome. Last evaluated: 2023-03-11. Review status: criteria provided, single submitter. Criteria: Invitae Variant Classification Sherloc (09022015). Collection method: clinical testing. Allele origin: germline.